The following is an entry in ClinVar:

ClinVar aggregate classification (germline): Pathogenic (1 of 4 stars; one submission).

Submission:

Labcorp Genetics (formerly Invitae), Labcorp
Classification: Pathogenic. Last evaluated: 2022-01-27. Review status: criteria provided, single submitter. Criteria: Invitae Variant Classification Sherloc (09022015). Collection method: clinical testing. Allele origin: germline.
Comment: For these reasons, this variant has been classified as Pathogenic. This variant disrupts a region of the FOXL2 protein in which other variant(s) (p.Pro287Argfs*75) have been determined to be pathogenic (PMID: 12529855, 31048069). This suggests that this is a clinically significant region of the protein, and that variants that disrupt it are likely to be disease-causing. This premature translational stop signal has been observed in individual(s) with blepharophimosis (PMID: 30198434). This variant is not present in population databases (gnomAD no frequency). This sequence change creates a premature translational stop signal (p.Pro257Argfs*14) in the FOXL2 gene. While this is not anticipated to result in nonsense mediated decay, it is expected to disrupt the last 120 amino acid(s) of the FOXL2 protein.

Literature cited by the submitters: PubMed 12529855; PubMed 31048069; PubMed 30198434.

NM_023067.4(FOXL2):c.768del (p.Pro257fs)

Gene: FOXL2 (forkhead box L2; minus strand). Cytogenetic location: 3q22.3.
Variant type: Deletion.
Coding change: c.768del on transcript NM_023067.4 (MANE Select); coding-DNA position 768, one base deleted (G; older notation c.768delG).
Protein change: p.Pro257fs; shifts the reading frame from proline 257.
Molecular consequence: frameshift variant.
Genome position (GRCh38, 1-based): chr3:138,945,955, C deleted on the plus strand (G on the coding strand, the reverse complement: FOXL2 is on the minus strand); the first of 3 consecutive C bases (chr3:138,945,955-138,945,957); deleting any one gives the same sequence. VCF-style (leftmost placement, unchanged base first): chr3-138945954-GC-G. GRCh37 (hg19) VCF-style: chr3-138664796-GC-G.
Other names: short protein forms P257fs.
Identifiers: ClinVar variation 2151980 (VCV002151980.4), dbSNP rs2473812496, ClinGen allele CA2580068843.
Genomic context (GRCh38, chr3:138,945,954, plus strand): 5'-GGCCATTGTACGAGTTCACTACGCCGGGGGGCAGCGCCATGCTCTGCACGCGTGTGTACG[GC>G]CCGTACGAGGCGGCCGGGCCCGCCAGCCCCTTGACCACAGCGGCCGCGCCAGGGCTACCG-3'